The following is an entry in ClinVar:

NM_014249.4(NR2E3):c.116C>G (p.Thr39Arg)

Gene: NR2E3 (nuclear receptor subfamily 2 group E member 3; plus strand). Cytogenetic location: 15q23.
Variant type: single nucleotide variant.
Coding change: c.116C>G on transcript NM_014249.4 (MANE Select); coding-DNA position 116, C replaced by G.
Protein change: p.Thr39Arg; replaces threonine 39 with arginine.
Molecular consequence: missense variant.
Genome position (GRCh38, 1-based): chr15:71,810,859, C>G. VCF-style: chr15-71810859-C-G. GRCh37 (hg19) VCF-style: chr15-72103199-C-G.
Other names: c.116C>G, p.Thr39Arg (NM_016346.4); short protein forms T39R.
Identifiers: ClinVar variation 5003439 (VCV005003439.1).
Genomic context (GRCh38, chr15:71,810,859, plus strand): 5'-CAGCTGGGGCTGCCTCCAGGAAGGAGTCTCCAGGCAGATGGGGCCTGGGGGAGGATCCCA[C>G]AGGTATGGCTTCTCCTGGAGGTAGGGTTGGGTCTGGGCCCTTGGGGAGCAGGGTAAGGGC-3'
Protein context (NP_055064.1, residues 29-49): PGRWGLGEDP[Thr39Arg]GVSPSLQCRV

ClinVar aggregate classification (germline): Uncertain significance (1 of 4 stars; one submission).

Conditions:
ENHANCED S-CONE SYNDROME 1 (ESCS1). Also called: RETINOSCHISIS WITH EARLY HEMERALOPIA; FAVRE HYALOIDEORETINAL DEGENERATION. Identifiers: MedGen CN380299, OMIM 268100.

Submission:

Myriad Genetics, Inc.
Classification: Uncertain significance for ENHANCED S-CONE SYNDROME 1. Last evaluated: 2026-08-07. Review status: criteria provided, single submitter. Criteria: Myriad Autosomal Dominant, Autosomal Recessive and X-Linked Classification Criteria (2023). Collection method: clinical testing. Allele origin: unknown.
Comment: NM_014249.2(NR2E3):c.116C>G(T39R) is a missense variant classified as a variant of uncertain significance in the context of enhanced S-cone syndrome. T39R has not been observed in cases with relevant disease. Relevant functional assessments of this variant are not available in the literature. T39R has not been observed in referenced population frequency databases. In summary, there is insufficient evidence to classify NM_014249.2(NR2E3):c.116C>G(T39R) as pathogenic or benign. Please note: this variant was assessed in the context of healthy population screening.